The following is an entry in ClinVar:

ClinVar aggregate classification (germline): Uncertain significance (1 of 4 stars; one submission).

gnomAD v4.1: 1 of 1,613,970 alleles (0.000062%); no homozygotes.

Submission:

Labcorp Genetics (formerly Invitae), Labcorp
Classification: Uncertain significance. Last evaluated: 2022-02-04. Review status: criteria provided, single submitter. Criteria: Invitae Variant Classification Sherloc (09022015). Collection method: clinical testing. Allele origin: germline.
Comment: This variant has not been reported in the literature in individuals affected with SEMA4A-related conditions. This variant is not present in population databases (gnomAD no frequency). This sequence change replaces proline, which is neutral and non-polar, with leucine, which is neutral and non-polar, at codon 300 of the SEMA4A protein (p.Pro300Leu). ClinVar contains an entry for this variant (Variation ID: 1003497). In summary, the available evidence is currently insufficient to determine the role of this variant in disease. Therefore, it has been classified as a Variant of Uncertain Significance. Algorithms developed to predict the effect of missense changes on protein structure and function (SIFT, PolyPhen-2, Align-GVGD) all suggest that this variant is likely to be disruptive.

NM_022367.4(SEMA4A):c.899C>T (p.Pro300Leu)

Gene: SEMA4A (semaphorin 4A; plus strand). Cytogenetic location: 1q22.
Variant type: single nucleotide variant.
Coding change: c.899C>T on transcript NM_022367.4 (MANE Select); coding-DNA position 899, C replaced by T.
Protein change: p.Pro300Leu; replaces proline 300 with leucine.
Molecular consequence: missense variant.
Genome position (GRCh38, 1-based): chr1:156,161,434, C>T. VCF-style: chr1-156161434-C-T. GRCh37 (hg19) VCF-style: chr1-156131225-C-T.
Other names: c.899C>T, p.Pro300Leu (NM_001193300.2, NM_001193301.2, NM_001370567.1); c.503C>T, p.Pro168Leu (NM_001193302.2); c.602C>T, p.Pro201Leu (NM_001370568.1); c.392C>T, p.Pro131Leu (NM_001370569.1, NM_001370571.1); short protein forms P131L, P168L, P201L, P300L.
Identifiers: ClinVar variation 1003497 (VCV001003497.8), dbSNP rs1653646495, ClinGen allele CA342839343.